The following is an entry in ClinVar:

NM_005359.6(SMAD4):c.779A>G (p.Tyr260Cys)

Gene: SMAD4 (SMAD family member 4; plus strand). Cytogenetic location: 18q21.2.
Variant type: single nucleotide variant.
Coding change: c.779A>G on transcript NM_005359.6 (MANE Select); coding-DNA position 779, A replaced by G.
Protein change: p.Tyr260Cys; replaces tyrosine 260 with cysteine.
Molecular consequence: missense variant. On other transcripts: non-coding transcript variant (2).
Genome position (GRCh38, 1-based): chr18:51,058,236, A>G. VCF-style: chr18-51058236-A-G. GRCh37 (hg19) VCF-style: chr18-48584606-A-G.
Other names: c.779A>G, p.Tyr260Cys (NM_001407041.1, NM_001407042.1, NM_001407043.1); short protein forms Y260C.
Identifiers: ClinVar variation 2800398 (VCV002800398.3), dbSNP rs1555685937, ClinGen allele CA402463172.

ClinVar aggregate classification (germline): Uncertain significance (1 of 4 stars; one submission).

Conditions:
Juvenile polyposis syndrome (JPS). Identifiers: Orphanet 2929, MedGen C0345893, MONDO:0017380, OMIM 174900.

Submission:

Labcorp Genetics (formerly Invitae), Labcorp
Classification: Uncertain significance for Juvenile polyposis syndrome. Last evaluated: 2024-04-05. Review status: criteria provided, single submitter. Criteria: Invitae Variant Classification Sherloc (09022015). Collection method: clinical testing. Allele origin: germline.
Comment: This sequence change replaces tyrosine, which is neutral and polar, with cysteine, which is neutral and slightly polar, at codon 260 of the SMAD4 protein (p.Tyr260Cys). This variant is not present in population databases (gnomAD no frequency). This variant has not been reported in the literature in individuals affected with SMAD4-related conditions. Advanced modeling of protein sequence and biophysical properties (such as structural, functional, and spatial information, amino acid conservation, physicochemical variation, residue mobility, and thermodynamic stability) has been performed at Invitae for this missense variant, however the output from this modeling did not meet the statistical confidence thresholds required to predict the impact of this variant on SMAD4 protein function. In summary, the available evidence is currently insufficient to determine the role of this variant in disease. Therefore, it has been classified as a Variant of Uncertain Significance.